The following is an entry in ClinVar:

NM_000965.5(RARB):c.674C>T (p.Ala225Val)

Gene: RARB (retinoic acid receptor beta; plus strand). Cytogenetic location: 3p24.2.
Variant type: single nucleotide variant.
Coding change: c.674C>T on transcript NM_000965.5 (MANE Select); coding-DNA position 674, C replaced by T.
Protein change: p.Ala225Val; replaces alanine 225 with valine.
Molecular consequence: missense variant. On other transcripts: non-coding transcript variant (2).
Genome position (GRCh38, 1-based): chr3:25,580,610, C>T. VCF-style: chr3-25580610-C-T. GRCh37 (hg19) VCF-style: chr3-25622101-C-T.
Other names: c.695C>T, p.Ala232Val (NM_001290216.3); c.338C>T, p.Ala113Val (NM_001290217.2, NM_001290276.2, NM_016152.4); c.527C>T, p.Ala176Val (NM_001290266.2); c.674C>T, p.Ala225Val (NM_001290277.1); c.545C>T, p.Ala182Val (NM_001290300.2); short protein forms A113V, A176V, A182V, A225V, A232V.
Identifiers: ClinVar variation 3025563 (VCV003025563.22), dbSNP rs2529761318, ClinGen allele CA351897021.

ClinVar aggregate classification (germline): Uncertain significance (1 of 4 stars; one submission).

Submission:

CeGaT Center for Human Genetics Tuebingen
Classification: Uncertain significance. Last evaluated: 2024-01-01. Review status: criteria provided, single submitter. Criteria: CeGaT Center For Human Genetics Tuebingen Variant Classification Criteria Version 2. Collection method: clinical testing. Allele origin: germline. Affected: yes. Observed: 1 variant allele.
Comment: RARB: PM2, PP3